The following is an entry in ClinVar:

NM_138694.4(PKHD1):c.11506+7T>G

Gene: PKHD1 (PKHD1 ciliary IPT domain containing fibrocystin/polyductin; minus strand). Cytogenetic location: 6p12.3.
Variant type: single nucleotide variant.
Coding change: c.11506+7T>G on transcript NM_138694.4 (MANE Select); 7 bases into the intron after coding-DNA position 11506, T replaced by G.
Molecular consequence: intron variant.
Genome position (GRCh38, 1-based): chr6:51,638,842, A>C on the plus strand (T>G on the coding strand, the complement: PKHD1 is on the minus strand). VCF-style: chr6-51638842-A-C. GRCh37 (hg19) VCF-style: chr6-51503640-A-C.
Other names: c.11506+7T>G (NM_138694.3).
Identifiers: ClinVar variation 1134334 (VCV001134334.11), dbSNP rs1204730138, ClinGen allele CA567282499.

ClinVar aggregate classification (germline): Likely benign. Review status: criteria provided, single submitter (1 of 4 stars). 2 submissions from 2 submitters: Likely benign (1). 1 of the submissions does not count toward it. Last evaluated 2025-01-06.

Conditions:
PKHD1-related disorder. Also called: PKHD1-related condition.
Autosomal recessive polycystic kidney disease (ARPKD). Also called: AR polycystic kidney disease. Identifiers: Orphanet 731, Orphanet 8378, MedGen C0085548, MeSH D017044, MONDO:0009889.

Allele frequency attached by ClinVar (database versions not stated): gnomAD exomes 0.00002 and 0.00001; TOPMed 0.00002; gnomAD 0.00003.
gnomAD v4.1: 29 of 1,557,948 alleles (0.0019%); highest among the groups gnomAD compares: African/African-American, 0.0027%; no homozygotes.

Submissions (2):

Labcorp Genetics (formerly Invitae), Labcorp
Classification: Likely benign for Autosomal recessive polycystic kidney disease. Last evaluated: 2025-01-06. Review status: criteria provided, single submitter. Criteria: Invitae Variant Classification Sherloc (09022015). Collection method: clinical testing. Allele origin: germline.

PreventionGenetics, part of Exact Sciences
Classification: Likely benign for PKHD1-related condition. Last evaluated: 2022-10-03. Review status: no assertion criteria provided. Collection method: clinical testing. Allele origin: germline. Not counted in ClinVar's aggregate classification.
Comment: This variant is classified as likely benign based on ACMG/AMP sequence variant interpretation guidelines (Richards et al. 2015 PMID: 25741868, with internal and published modifications).